The following is an entry in ClinVar:

NM_017636.4(TRPM4):c.140T>C (p.Val47Ala)

Gene: TRPM4 (transient receptor potential cation channel subfamily M member 4; plus strand). Cytogenetic location: 19q13.33.
Variant type: single nucleotide variant.
Coding change: c.140T>C on transcript NM_017636.4 (MANE Select); coding-DNA position 140, T replaced by C.
Protein change: p.Val47Ala; replaces valine 47 with alanine.
Molecular consequence: missense variant. On other transcripts: 5 prime UTR variant (1), intron variant (2).
Genome position (GRCh38, 1-based): chr19:49,166,088, T>C. VCF-style: chr19-49166088-T-C. GRCh37 (hg19) VCF-style: chr19-49669345-T-C.
Other names: c.140T>C, p.Val47Ala (NM_001195227.2, NM_001321281.2); c.-1233T>C (NM_001321282.2); c.-74-2172T>C (NM_001321283.2); c.-237-2465T>C (NM_001321285.2); short protein forms V47A.
Identifiers: ClinVar variation 5031153 (VCV005031153.1).

ClinVar aggregate classification (germline): Uncertain significance (1 of 4 stars; one submission).

Conditions:
Cardiovascular phenotype. Identifiers: MedGen CN230736.

Submission:

Ambry Genetics
Classification: Uncertain significance for Cardiovascular phenotype. Last evaluated: 2026-07-17. Review status: criteria provided, single submitter. Criteria: Ambry Variant Classification Scheme 2023. Collection method: clinical testing. Allele origin: germline.
Comment: The p.V47A variant (also known as c.140T>C), located in coding exon 3 of the TRPM4 gene, results from a T to C substitution at nucleotide position 140. The valine at codon 47 is replaced by alanine, an amino acid with similar properties. This amino acid position is conserved. In addition, the in silico prediction for this alteration is inconclusive. Based on the available evidence, the clinical significance of this variant remains unclear.